The following is an entry in ClinVar:

NM_001286577.2(C2CD3):c.2662C>T (p.Arg888Trp)

Gene: C2CD3 (C2 domain containing 3 centriole elongation regulator; minus strand). Cytogenetic location: 11q13.4.
Variant type: single nucleotide variant.
Coding change: c.2662C>T on transcript NM_001286577.2 (MANE Select); coding-DNA position 2662, C replaced by T.
Protein change: p.Arg888Trp; replaces arginine 888 with tryptophan.
Molecular consequence: missense variant.
Genome position (GRCh38, 1-based): chr11:74,100,595, G>A on the plus strand (C>T on the coding strand, the complement: C2CD3 is on the minus strand). VCF-style: chr11-74100595-G-A. GRCh37 (hg19) VCF-style: chr11-73811640-G-A.
Other names: c.2662C>T, p.Arg888Trp (NM_015531.6); short protein forms R888W.
Identifiers: ClinVar variation 2139023 (VCV002139023.1), dbSNP rs759392938, ClinGen allele CA6182597.

ClinVar aggregate classification (germline): Uncertain significance (1 of 4 stars; one submission).

Allele frequency attached by ClinVar (database versions not stated): ExAC 0.00001; gnomAD 0.00001.
gnomAD v4.1: 27 of 1,613,854 alleles (0.0017%); highest among the groups gnomAD compares: Non-Finnish European, 0.0019%; no homozygotes.

Submission:

Labcorp Genetics (formerly Invitae), Labcorp
Classification: Uncertain significance. Last evaluated: 2022-02-20. Review status: criteria provided, single submitter. Criteria: Invitae Variant Classification Sherloc (09022015). Collection method: clinical testing. Allele origin: germline.
Comment: This sequence change replaces arginine, which is basic and polar, with tryptophan, which is neutral and slightly polar, at codon 888 of the C2CD3 protein (p.Arg888Trp). This variant is not present in population databases (gnomAD no frequency). This variant has not been reported in the literature in individuals affected with C2CD3-related conditions. Algorithms developed to predict the effect of missense changes on protein structure and function output the following: SIFT: "Deleterious"; PolyPhen-2: "Benign"; Align-GVGD: "Class C0". The tryptophan amino acid residue is found in multiple mammalian species, which suggests that this missense change does not adversely affect protein function. Algorithms developed to predict the effect of sequence changes on RNA splicing suggest that this variant may disrupt the consensus splice site. In summary, the available evidence is currently insufficient to determine the role of this variant in disease. Therefore, it has been classified as a Variant of Uncertain Significance.